The following is an entry in ClinVar:

ClinVar aggregate classification (germline): Likely pathogenic (1 of 4 stars; one submission).

Submission:

Dasa
Classification: Likely pathogenic. Last evaluated: 2025-07-25. Review status: criteria provided, single submitter. Criteria: DASA Assertion Criteria. Collection method: clinical testing. Allele origin: germline.
Comment: NM_004722.4(AP4M1):c.14dup (p.Phe6Leufs*110) is a frameshift variant in AP4M1 predicted to alter the reading frame and introduce a premature termination codon and is predicted to result in an absent or altered protein product. Loss of function is an established disease mechanism for AP4M1-associated disorders. Also, this variant is absent from population databases. Based on the currently available evidence, this variant is classified as likely pathogenic.

NM_004722.4(AP4M1):c.14dup (p.Phe6fs)

Gene: AP4M1 (adaptor related protein complex 4 subunit mu 1; plus strand). Cytogenetic location: 7q22.1.
Variant type: Duplication.
Coding change: c.14dup on transcript NM_004722.4 (MANE Select); coding-DNA position 14, one base duplicated (T; older notation c.14dupT).
Protein change: p.Phe6fs; shifts the reading frame from phenylalanine 6.
Molecular consequence: frameshift variant. On other transcripts: 5 prime UTR variant (2), non-coding transcript variant (1).
Genome position (GRCh38, 1-based): chr7:100,101,728, T duplicated; the last of 2 consecutive T bases (chr7:100,101,727-100,101,728); duplicating either gives the same sequence. VCF-style (leftmost placement, unchanged base first): chr7-100101726-A-AT. GRCh37 (hg19) VCF-style: chr7-99699349-A-AT.
Other names: c.14dup, p.Phe6fs (NM_001363671.2, NM_001438824.1, NM_001438825.1 and 5 more transcripts); c.-519dup (NM_001438831.1); c.-446dup (NM_001438832.1); short protein forms F6fs.
Identifiers: ClinVar variation 4852632 (VCV004852632.2).